The following is an entry in ClinVar:

NM_144701.3(IL23R):c.929T>C (p.Leu310Pro)

Gene: IL23R (interleukin 23 receptor; plus strand). Cytogenetic location: 1p31.3.
Variant type: single nucleotide variant.
Coding change: c.929T>C on transcript NM_144701.3 (MANE Select); coding-DNA position 929, T replaced by C.
Protein change: p.Leu310Pro; replaces leucine 310 with proline.
Molecular consequence: missense variant.
Genome position (GRCh38, 1-based): chr1:67,219,704, T>C. VCF-style: chr1-67219704-T-C. GRCh37 (hg19) VCF-style: chr1-67685387-T-C.
Other names: short protein forms L310P.
Identifiers: ClinVar variation 1169786 (VCV001169786.13), dbSNP rs7530511, ClinGen allele CA899871.

ClinVar aggregate classification (germline): Benign. Review status: criteria provided, multiple submitters, no conflicts (2 of 4 stars). 4 submissions from 4 submitters: Benign (4). Last evaluated 2026-02-04.

Allele frequency attached by ClinVar (database versions not stated): ESP Exome Variant Server 0.83400; gnomAD 0.84220 and 0.84788; TOPMed 0.84594; 1000 Genomes Project 30x 0.87055; 1000 Genomes Project 0.87600; ExAC 0.87764; gnomAD exomes 0.87986 and 0.88300.

Submissions (4):

Labcorp Genetics (formerly Invitae), Labcorp
Classification: Benign. Last evaluated: 2026-02-04. Review status: criteria provided, single submitter. Criteria: Invitae Variant Classification Sherloc (09022015). Collection method: clinical testing. Allele origin: germline.

Blueprint Genetics
Classification: Benign. Last evaluated: 2024-11-26. Review status: criteria provided, single submitter. Criteria: ACMG Guidelines, 2015. Collection method: clinical testing. Allele origin: germline.

Unidad de Genómica Garrahan, Hospital de Pediatría Garrahan
Classification: Benign. Last evaluated: 2024-01-24. Review status: criteria provided, single submitter. Criteria: ACMG Guidelines, 2015. Collection method: clinical testing. Allele origin: germline. Affected: no. Observed: 88 variant alleles.
Comment: This variant is classified as Benign based on local population frequency. This variant was detected in 100% of patients studied by a panel of primary immunodeficiencies. Number of patients: 88. Only high quality variants are reported.

Breakthrough Genomics
Classification: Benign. Review status: criteria provided, single submitter. Criteria: ACMG Guidelines, 2015. Collection method: not provided. Allele origin: germline. Inheritance: Unknown mechanism. Affected: yes.